The following is an entry in ClinVar:

NM_012213.3(MLYCD):c.1160C>G (p.Ser387Trp)

Gene: MLYCD (malonyl-CoA decarboxylase; plus strand). Cytogenetic location: 16q23.3.
Variant type: single nucleotide variant.
Coding change: c.1160C>G on transcript NM_012213.3 (MANE Select); coding-DNA position 1160, C replaced by G.
Protein change: p.Ser387Trp; replaces serine 387 with tryptophan.
Molecular consequence: missense variant.
Genome position (GRCh38, 1-based): chr16:83,915,167, C>G. VCF-style: chr16-83915167-C-G. GRCh37 (hg19) VCF-style: chr16-83948772-C-G.
Other names: short protein forms S387W.
Identifiers: ClinVar variation 450855 (VCV000450855.5), dbSNP rs376324546, ClinGen allele CA8197528.

ClinVar aggregate classification (germline): Uncertain significance. Review status: criteria provided, multiple submitters, no conflicts (2 of 4 stars). 3 submissions from 3 submitters: Uncertain significance (3). Last evaluated 2025-01-19.

Conditions:
Inborn genetic diseases. Identifiers: MedGen C0950123, MeSH D030342.
Deficiency of malonyl-CoA decarboxylase. Also called: Malonic aciduria; MCD deficiency. Identifiers: Orphanet 943, MedGen C0342793, MONDO:0009556, OMIM 248360.

Allele frequency attached by ClinVar (database versions not stated): gnomAD 0.00003; ESP Exome Variant Server 0.00008; TOPMed 0.00015.

Submissions (3):

Ambry Genetics
Classification: Uncertain significance for Inborn genetic diseases. Last evaluated: 2025-01-19. Review status: criteria provided, single submitter. Criteria: Ambry Variant Classification Scheme 2023. Collection method: clinical testing. Allele origin: germline.

Labcorp Genetics (formerly Invitae), Labcorp
Classification: Uncertain significance for Deficiency of malonyl-CoA decarboxylase. Last evaluated: 2022-06-24. Review status: criteria provided, single submitter. Criteria: Invitae Variant Classification Sherloc (09022015). Collection method: clinical testing. Allele origin: germline.
Comment: This sequence change replaces serine, which is neutral and polar, with tryptophan, which is neutral and slightly polar, at codon 387 of the MLYCD protein (p.Ser387Trp). This variant is present in population databases (rs376324546, gnomAD 0.03%). This variant has not been reported in the literature in individuals affected with MLYCD-related conditions. ClinVar contains an entry for this variant (Variation ID: 450855). Algorithms developed to predict the effect of missense changes on protein structure and function are either unavailable or do not agree on the potential impact of this missense change (SIFT: "Deleterious"; PolyPhen-2: "Probably Damaging"; Align-GVGD: "Class C0"). In summary, the available evidence is currently insufficient to determine the role of this variant in disease. Therefore, it has been classified as a Variant of Uncertain Significance.

GeneDx
Classification: Uncertain significance. Last evaluated: 2017-07-26. Review status: criteria provided, single submitter. Criteria: GeneDx Variant Classification (06012015). Collection method: clinical testing. Allele origin: germline. Affected: yes.
Comment: The S387W variant in the MLYCD gene has not been reported previously as a pathogenic variant, nor as a benign variant, to our knowledge. The S387W variant is not observed at a significant frequency in large population cohorts (Lek et al., 2016; 1000 Genomes Consortium et al., 2015; Exome Variant Server). The S387W variant is a non-conservative amino acid substitution, which is likely to impact secondary protein structure as these residues differ in polarity, charge, size and/or other properties. This substitution occurs at a position that is conserved across species, and in silico analysis predicts this variant is probably damaging to the protein structure/function. We interpret S387W as a variant of uncertain significance.